The following is an entry in ClinVar:

ClinVar aggregate classification (germline): Uncertain significance (1 of 4 stars; one submission).

Conditions:
Idiopathic generalized epilepsy. Also called: EIG; Generalised epilepsy. Identifiers: MedGen C0270850, MONDO:0005579, OMIM 600669.
Hyperaldosteronism, familial, type IV (HALD4). Also called: FH IV; ALDOSTERONISM, PRIMARY, AND HYPERTENSION. Identifiers: Orphanet 642671, MedGen C4310756, MONDO:0014875, OMIM 617027.

Allele frequency attached by ClinVar (database versions not stated): gnomAD exomes below 0.00001.
gnomAD v4.1: 2 of 1,613,142 alleles (0.00012%); highest among the groups gnomAD compares: Admixed American, 0.0017%; no homozygotes.

Submission:

Labcorp Genetics (formerly Invitae), Labcorp
Classification: Uncertain significance for Idiopathic generalized epilepsy; Hyperaldosteronism, familial, type IV. Last evaluated: 2024-10-24. Review status: criteria provided, single submitter. Criteria: Invitae Variant Classification Sherloc (09022015). Collection method: clinical testing. Allele origin: germline.
Comment: This sequence change replaces leucine, which is neutral and non-polar, with glutamine, which is neutral and polar, at codon 841 of the CACNA1H protein (p.Leu841Gln). This variant is present in population databases (no rsID available, gnomAD 0.003%). This variant has not been reported in the literature in individuals affected with CACNA1H-related conditions. ClinVar contains an entry for this variant (Variation ID: 1040373). Invitae Evidence Modeling of protein sequence and biophysical properties (such as structural, functional, and spatial information, amino acid conservation, physicochemical variation, residue mobility, and thermodynamic stability) indicates that this missense variant is not expected to disrupt CACNA1H protein function with a negative predictive value of 80%. In summary, the available evidence is currently insufficient to determine the role of this variant in disease. Therefore, it has been classified as a Variant of Uncertain Significance.

NM_021098.3(CACNA1H):c.2522T>A (p.Leu841Gln)

Gene: CACNA1H (calcium voltage-gated channel subunit alpha1 H; plus strand). Cytogenetic location: 16p13.3.
Variant type: single nucleotide variant.
Coding change: c.2522T>A on transcript NM_021098.3 (MANE Select); coding-DNA position 2522, T replaced by A.
Protein change: p.Leu841Gln; replaces leucine 841 with glutamine.
Molecular consequence: missense variant.
Genome position (GRCh38, 1-based): chr16:1,205,184, T>A. VCF-style: chr16-1205184-T-A. GRCh37 (hg19) VCF-style: chr16-1255184-T-A.
Other names: c.2522T>A, p.Leu841Gln (NM_001005407.2); short protein forms L841Q.
Identifiers: ClinVar variation 1040373 (VCV001040373.8), dbSNP rs1223248915, ClinGen allele CA394167469.